The following is an entry in ClinVar:

ClinVar aggregate classification (germline): Likely pathogenic (1 of 4 stars; one submission).

Conditions:
Primary ciliary dyskinesia 3. Identifiers: Orphanet 244, MedGen C1837618, MONDO:0012085, OMIM 608644.

Submission:

Myriad Genetics, Inc.
Classification: Likely pathogenic for Primary ciliary dyskinesia 3. Last evaluated: 2022-02-22. Review status: criteria provided, single submitter. Criteria: Myriad Women's Health Autosomal Recessive and X-Linked Classification Criteria (2021). Collection method: clinical testing. Allele origin: unknown.
Comment: NM_001369.2(DNAH5):c.11344_11345ins7(I3782Sfs*8) is expected to be pathogenic in the context of DNAH5-related primary ciliary dyskinesia. This variant is predicted to lead to an abnormal or absent protein product due to the creation of a premature termination codon in DNAH5, a gene where loss-of-function variants are known to be pathogenic. Please note: this variant was assessed in the context of healthy population screening.

NM_001369.3(DNAH5):c.11344_11345insGCAGCAC (p.Ile3782fs)

Genes: DNAH5 (dynein axonemal heavy chain 5; minus strand), LOC107457585 (meiotic recombination hotspot J; plus strand). Cytogenetic location: 5p15.2.
Variant type: Insertion.
Coding change: c.11344_11345insGCAGCAC on transcript NM_001369.3 (MANE Select); coding-DNA positions 11344 to 11345, GCAGCAC inserted.
Protein change: p.Ile3782fs; shifts the reading frame from isoleucine 3782.
Molecular consequence: frameshift variant.
Genome position: GRCh38 VCF-style: chr5-13737362-A-AGTGCTGC. GRCh37 (hg19) VCF-style: chr5-13737471-A-AGTGCTGC.
Other names: short protein forms I3782fs.
Identifiers: ClinVar variation 1724623 (VCV001724623.2), dbSNP rs2546569318, ClinGen allele CA2580072008.